The following is an entry in ClinVar:

NM_000209.4(PDX1):c.406+268C>G

Gene: PDX1 (pancreatic and duodenal homeobox 1; plus strand). Cytogenetic location: 13q12.2.
Variant type: single nucleotide variant.
Coding change: c.406+268C>G on transcript NM_000209.4 (MANE Select); 268 bases into the intron after coding-DNA position 406, C replaced by G.
Molecular consequence: intron variant.
Genome position (GRCh38, 1-based): chr13:27,920,812, C>G. VCF-style: chr13-27920812-C-G. GRCh37 (hg19) VCF-style: chr13-28494949-C-G.
Identifiers: ClinVar variation 683833 (VCV000683833.2), dbSNP rs9512918, ClinGen allele CA13783290.

ClinVar aggregate classification (germline): Benign. Review status: criteria provided, multiple submitters, no conflicts (2 of 4 stars). 2 submissions from 2 submitters: Benign (2). Last evaluated 2018-06-14.

Allele frequency attached by ClinVar (database versions not stated): 1000 Genomes Project 0.28794; 1000 Genomes Project 30x 0.29528; TOPMed 0.33373; gnomAD 0.33450 and 0.33746.
gnomAD v4.1: 50,909 of 152,190 alleles (33%); highest among the groups gnomAD compares: Middle Eastern, 38%; 8,741 homozygotes.

Submissions (2):

GeneDx
Classification: Benign. Last evaluated: 2018-06-14. Review status: criteria provided, single submitter. Criteria: GeneDx Variant Classification (06012015). Collection method: clinical testing. Allele origin: germline. Affected: yes.
Comment: This variant is considered likely benign or benign based on one or more of the following criteria: it is a conservative change, it occurs at a poorly conserved position in the protein, it is predicted to be benign by multiple in silico algorithms, and/or has population frequency not consistent with disease.

Breakthrough Genomics
Classification: Benign. Review status: criteria provided, single submitter. Criteria: ACMG Guidelines, 2015. Collection method: not provided. Allele origin: germline. Inheritance: Autosomal recessive inheritance. Affected: yes.